The following is an entry in ClinVar:

ClinVar aggregate classification (germline): Conflicting classifications of pathogenicity. Review status: criteria provided, conflicting classifications (1 of 4 stars). 2 submissions from 2 submitters: Likely pathogenic (1); Uncertain significance (1). Last evaluated 2025-12-01.

Conditions:
Hereditary pheochromocytoma and paraganglioma. Also called: Hereditary pheochromocytoma-paraganglioma; Hereditary Paraganglioma-Pheochromocytoma Syndromes; Hereditary paragangliomas and pheochromocytomas. Identifiers: Orphanet 29072, MedGen C4274332, MONDO:0017366.
Hereditary cancer-predisposing syndrome. Also called: Tumor predisposition; Neoplastic Syndromes, Hereditary; Hereditary neoplastic syndrome; Hereditary Cancer Syndrome. Identifiers: Orphanet 140162, MedGen C0027672, MeSH D009386, MONDO:0015356.

Submissions (2):

Ambry Genetics
Classification: Likely pathogenic for Hereditary cancer-predisposing syndrome. Last evaluated: 2025-12-01. Review status: criteria provided, single submitter. Criteria: Ambry Variant Classification Scheme 2023. Collection method: clinical testing. Allele origin: germline.
Comment: The c.114C>G variant (also known as p.D38E), located in coding exon 2 of the SDHAF2 gene, results from a C to G substitution at nucleotide position 114. The aspartic acid at codon 38 is replaced by glutamic acid, an amino acid with highly similar properties. This nucleotide position is not well conserved in available vertebrate species. In silico splice site analysis predicts that this alteration will result in the creation or strengthening of a novel splice donor site. RNA studies have demonstrated that this alteration results in abnormal splicing in the set of samples tested (Ambry internal data). This variant is considered to be rare based on population cohorts in the Genome Aggregation Database (gnomAD). Based on the majority of available evidence to date, this variant is likely to be pathogenic.

Labcorp Genetics (formerly Invitae), Labcorp
Classification: Uncertain significance for Hereditary pheochromocytoma and paraganglioma. Last evaluated: 2025-02-18. Review status: criteria provided, single submitter. Criteria: Invitae Variant Classification Sherloc (09022015). Collection method: clinical testing. Allele origin: germline.
Comment: This sequence change replaces aspartic acid, which is acidic and polar, with glutamic acid, which is acidic and polar, at codon 38 of the SDHAF2 protein (p.Asp38Glu). This variant is not present in population databases (gnomAD no frequency). This variant has not been reported in the literature in individuals affected with SDHAF2-related conditions. An algorithm developed to predict the effect of missense changes on protein structure and function (PolyPhen-2) suggests that this variant is likely to be tolerated. Studies have shown that this missense change is associated with inconclusive levels of altered splicing (internal data). In summary, the available evidence is currently insufficient to determine the role of this variant in disease. Therefore, it has been classified as a Variant of Uncertain Significance.

NM_017841.4(SDHAF2):c.114C>G (p.Asp38Glu)

Gene: SDHAF2 (succinate dehydrogenase complex assembly factor 2; plus strand). Cytogenetic location: 11q12.2.
Variant type: single nucleotide variant.
Coding change: c.114C>G on transcript NM_017841.4 (MANE Select); coding-DNA position 114, C replaced by G.
Protein change: p.Asp38Glu; replaces aspartic acid 38 with glutamic acid.
Molecular consequence: missense variant.
Genome position (GRCh38, 1-based): chr11:61,437,702, C>G. VCF-style: chr11-61437702-C-G. GRCh37 (hg19) VCF-style: chr11-61205174-C-G.
Other names: short protein forms D38E.
Identifiers: ClinVar variation 4547319 (VCV004547319.2).